The following is an entry in ClinVar:

ClinVar aggregate classification (germline): Likely pathogenic (1 of 4 stars; one submission).

Conditions:
Diffuse cerebral and cerebellar atrophy - intractable seizures - progressive microcephaly syndrome. Also called: Microcephaly, progressive, with seizures and cerebral and cerebellar atrophy. Identifiers: Orphanet 404437, MedGen C4014239, MONDO:0014335, OMIM 615760.

Allele frequency attached by ClinVar (database versions not stated): gnomAD 0.00001; TOPMed 0.00001.

Submissions (2):

Labcorp Genetics (formerly Invitae), Labcorp
Classification: Likely pathogenic for Diffuse cerebral and cerebellar atrophy - intractable seizures - progressive microcephaly syndrome. Last evaluated: 2021-03-26. Review status: criteria provided, single submitter. Criteria: Invitae Variant Classification Sherloc (09022015). Collection method: clinical testing. Allele origin: germline.
Comment: This sequence change affects an acceptor splice site in intron 18 of the QARS gene. It is expected to disrupt RNA splicing and likely results in an absent or disrupted protein product. This variant is not present in population databases (ExAC no frequency). This variant has not been reported in the literature in individuals with QARS-related conditions. Algorithms developed to predict the effect of sequence changes on RNA splicing suggest that this variant may disrupt the consensus splice site, but this prediction has not been confirmed by published transcriptional studies. Donor and acceptor splice site variants typically lead to a loss of protein function (PMID: 16199547), and loss-of-function variants in QARS are known to be pathogenic (PMID: 24656866, 25471517). In summary, the currently available evidence indicates that the variant is pathogenic, but additional data are needed to prove that conclusively. Therefore, this variant has been classified as Likely Pathogenic.

Dr. Peter K. Rogan Lab, Western University
No classification provided (evidence only). Condition: Thymoma. Review status: no classification provided. Collection method: in vitro. Allele origin: not applicable. Functional consequence: retained intron. Not counted in ClinVar's aggregate classification.

Literature cited by the submitters: PubMed 16199547 (cited by Labcorp Genetics (formerly Invitae), Labcorp); PubMed 24656866 (cited by Labcorp Genetics (formerly Invitae), Labcorp); PubMed 25471517 (cited by Labcorp Genetics (formerly Invitae), Labcorp).

NM_005051.3(QARS1):c.1759-2A>G

Gene: QARS1 (glutaminyl-tRNA synthetase 1; minus strand). Cytogenetic location: 3p21.31.
Variant type: single nucleotide variant.
Coding change: c.1759-2A>G on transcript NM_005051.3 (MANE Select); the canonical splice acceptor site of the intron before coding-DNA position 1759, A replaced by G.
Molecular consequence: splice acceptor variant.
Genome position (GRCh38, 1-based): chr3:49,098,991, T>C on the plus strand (A>G on the coding strand, the complement: QARS1 is on the minus strand). VCF-style: chr3-49098991-T-C. GRCh37 (hg19) VCF-style: chr3-49136424-T-C.
Other names: c.1726-2A>G (NM_001272073.2).
Identifiers: ClinVar variation 1068349 (VCV001068349.6), dbSNP rs1232739970, ClinGen allele CA352701693.